The following is an entry in ClinVar:

ClinVar aggregate classification (germline): Likely benign. Review status: criteria provided, multiple submitters, no conflicts (2 of 4 stars). 3 submissions from 3 submitters: Likely benign (3). Last evaluated 2025-02-16.

Allele frequency attached by ClinVar (database versions not stated): ExAC 0.00002; gnomAD exomes 0.00004 and 0.00006; gnomAD 0.00007; TOPMed 0.00007.
gnomAD v4.1: 109 of 1,612,674 alleles (0.0068%); highest among the groups gnomAD compares: Middle Eastern, 0.017%; no homozygotes.

Submissions (3):

Laboratory of Genetics, Children's Clinical University Hospital Latvia
Classification: Likely benign. Last evaluated: 2025-02-16. Review status: criteria provided, single submitter. Criteria: ACMG Guidelines, 2015. Collection method: clinical testing. Allele origin: germline. Affected: yes.

CeGaT Center for Human Genetics Tuebingen
Classification: Likely benign. Last evaluated: 2022-07-01. Review status: criteria provided, single submitter. Criteria: CeGaT Center For Human Genetics Tuebingen Variant Classification Criteria Version 2. Collection method: clinical testing. Allele origin: germline. Affected: yes. Observed: 2 variant alleles.
Comment: POMGNT1: BP4, BP7

Blueprint Genetics
Classification: Likely benign. Last evaluated: 2021-09-15. Review status: criteria provided, single submitter. Criteria: ACMG Guidelines, 2015. Collection method: clinical testing. Allele origin: germline.

NM_017739.4(POMGNT1):c.*347G>A

Genes: POMGNT1 (protein O-linked mannose N-acetylglucosaminyltransferase 1 (beta 1,2-); minus strand), TSPAN1 (tetraspanin 1; plus strand). Cytogenetic location: 1p34.1.
Variant type: single nucleotide variant.
Coding change: c.*347G>A on transcript NM_017739.4 (MANE Select); 347 bases downstream of the stop codon, G replaced by A.
Molecular consequence: 3 prime UTR variant. On other transcripts: synonymous variant (2).
Genome position (GRCh38, 1-based): chr1:46,188,923, C>T on the plus strand (G>A on the coding strand, the complement: POMGNT1 is on the minus strand). VCF-style: chr1-46188923-C-T. GRCh37 (hg19) VCF-style: chr1-46654595-C-T.
Other names: c.2043G>A, p.Pro681= (NM_001243766.2); c.*86G>A (NM_001290129.3, NM_001290130.2); c.1953G>A, p.Pro651= (NM_001410783.1).
Identifiers: ClinVar variation 1701106 (VCV001701106.33), dbSNP rs746679629, ClinGen allele CA833153.